The following is an entry in ClinVar:

ClinVar aggregate classification (germline): Uncertain significance (1 of 4 stars; one submission).

Submission:

GeneDx
Classification: Uncertain significance. Last evaluated: 2024-08-26. Review status: criteria provided, single submitter. Criteria: GeneDx Variant Classification Process June 2021. Collection method: clinical testing. Allele origin: germline. Affected: yes.
Comment: Not observed at significant frequency in large population cohorts (gnomAD); In-frame deletion of 1 amino acids in a non-repeat region; In silico analysis supports a deleterious effect on protein structure/function; Has not been previously published as pathogenic or benign to our knowledge

NM_001673.5(ASNS):c.1528_1530del (p.Pro510del)

Genes: ASNS (asparagine synthetase (glutamine-hydrolyzing); minus strand), CZ1P-ASNS (CZ1P-ASNS readthrough; minus strand). Cytogenetic location: 7q21.3.
Variant type: Deletion.
Coding change: c.1528_1530del on transcript NM_001673.5 (MANE Select); coding-DNA positions 1528 to 1530, 3 bases deleted (CCT; older notation c.1528_1530delCCT).
Protein change: p.Pro510del; deletes proline 510.
Molecular consequence: non-coding transcript variant (on NR_147989.1).
Genome position (GRCh38, 1-based): chr7:97,852,415-97,852,417, AGG deleted on the plus strand (CCT on the coding strand, the reverse complement: ASNS is on the minus strand); deleting any 3 consecutive bases within chr7:97,852,415-97,852,419 gives the same sequence; the c. name uses the placement nearest the transcript's 3' end. VCF-style (leftmost placement, unchanged base first): chr7-97852414-TAGG-T. GRCh37 (hg19) VCF-style: chr7-97481726-TAGG-T.
Other names: c.1465_1467del, p.Pro489del (NM_001178075.2); c.1279_1281del, p.Pro427del (NM_001178076.2, NM_001178077.1); c.1528_1530del, p.Pro510del (NM_001352496.2, NM_133436.3, NM_183356.4); short protein forms P427del, P489del, P510del.
Identifiers: ClinVar variation 3766247 (VCV003766247.1).